The following is an entry in ClinVar:

ClinVar aggregate classification (germline): Pathogenic (1 of 4 stars; one submission).

Allele frequency attached by ClinVar (database versions not stated): gnomAD exomes below 0.00001.
gnomAD v4.1: 1 of 1,614,086 alleles (0.000062%); highest among the groups gnomAD compares: Non-Finnish European, 0.000085%; no homozygotes.

Submission:

Labcorp Genetics (formerly Invitae), Labcorp
Classification: Pathogenic. Last evaluated: 2025-06-04. Review status: criteria provided, single submitter. Criteria: Invitae Variant Classification Sherloc (09022015). Collection method: clinical testing. Allele origin: germline.
Comment: This sequence change creates a premature translational stop signal (p.Arg775*) in the TRIM37 gene. It is expected to result in an absent or disrupted protein product. Loss-of-function variants in TRIM37 are known to be pathogenic (PMID: 10888877, 15108285). This variant is not present in population databases (gnomAD no frequency). This variant has not been reported in the literature in individuals affected with TRIM37-related conditions. ClinVar contains an entry for this variant (Variation ID: 2904915). For these reasons, this variant has been classified as Pathogenic.

Literature cited by the submitters: PubMed 10888877; PubMed 15108285.

NM_015294.6(TRIM37):c.2323C>T (p.Arg775Ter)

Gene: TRIM37 (tripartite motif containing 37; minus strand). Cytogenetic location: 17q22.
Variant type: single nucleotide variant.
Coding change: c.2323C>T on transcript NM_015294.6 (MANE Select); coding-DNA position 2323, C replaced by T.
Protein change: p.Arg775Ter; replaces arginine 775 with a stop codon.
Molecular consequence: nonsense. On other transcripts: non-coding transcript variant (2).
Genome position (GRCh38, 1-based): chr17:59,017,359, G>A on the plus strand (C>T on the coding strand, the complement: TRIM37 is on the minus strand). VCF-style: chr17-59017359-G-A. GRCh37 (hg19) VCF-style: chr17-57094720-G-A.
Other names: c.2323C>T, p.Arg775Ter (NM_001005207.5, NM_001320988.3, NM_001320989.3 and 1 more transcripts); c.2221C>T, p.Arg741Ter (NM_001320987.3, NM_001353082.2); c.1957C>T, p.Arg653Ter (NM_001320990.3); c.1588C>T, p.Arg530Ter (NM_001353083.2); c.1861C>T, p.Arg621Ter (NM_001353085.2); c.2272C>T, p.Arg758Ter (NM_001353086.2); short protein forms R775*, R530*, R741*, R621*, R653*, R758*.
Identifiers: ClinVar variation 2904915 (VCV002904915.3), dbSNP rs904920254, ClinGen allele CA292053859.